The following is an entry in ClinVar:

ClinVar aggregate classification (germline): Pathogenic/Likely pathogenic. Review status: criteria provided, multiple submitters, no conflicts (2 of 4 stars). 4 submissions from 4 submitters: Pathogenic (3); Likely pathogenic (1). Last evaluated 2026-01-25.

Conditions:
Dilated cardiomyopathy 1G (CMD1G). Identifiers: Orphanet 154, MedGen C1858763, MONDO:0011400, OMIM 604145.
Autosomal recessive limb-girdle muscular dystrophy type 2J (LGMDR10). Also called: Limb-girdle muscular dystrophy, type 2J; MUSCULAR DYSTROPHY, LIMB-GIRDLE, AUTOSOMAL RECESSIVE 10. Identifiers: Orphanet 140922, MedGen C1837342, MONDO:0012127, OMIM 608807.
Cardiovascular phenotype. Identifiers: MedGen CN230736.

Allele frequency attached by ClinVar (database versions not stated): ESP Exome Variant Server 0.00008.

Submissions (4):

GeneDx
Classification: Pathogenic. Last evaluated: 2026-01-25. Review status: criteria provided, single submitter. Criteria: GeneDx Variant Classification Process June 2021. Collection method: clinical testing. Allele origin: germline. Affected: yes.
Comment: Nonsense variant predicted to result in protein truncation or nonsense mediated decay in a gene for which loss of function is a known mechanism of disease; Located in the A-band, a region of TTN for which truncating variants are significantly associated with autosomal dominant cardiomyopathy and also with autosomal recessive skeletal myopathies (PMID: 22335739, 32778822); Identified in patients with dilated cardiomyopathy (DCM) referred for genetic testing at GeneDx and in published literature (PMID: 32815318); Not observed at significant frequency in large population cohorts (gnomAD); This variant is associated with the following publications: (PMID: 22335739, 32778822, 23975875, 32815318, 25589632)

Variantyx, Inc.
Classification: Pathogenic for Dilated cardiomyopathy 1G. Last evaluated: 2026-01-06. Review status: criteria provided, single submitter. Criteria: Variantyx Assertion Criteria 2022. Collection method: clinical testing. Allele origin: germline. Inheritance: Autosomal dominant inheritance. Affected: yes.
Comment: This is a nonsense variant in the TTN gene (OMIM: 188840). Pathogenic variants in this gene have been associated with autosomal dominant dilated cardiomyopathy 1G. This variant introduces a premature termination codon in exon 326 out of 363 and is expected to result in loss of function, which is a known disease mechanism for TTN in this disorder (PMID: 25589632) (PVS1). This variant is located in the A-band region of titin amnd it has been reported in at least one affected individual (PMID: 32815318) (PS4), while it is absent from control populations (PM2). Based on the current evidence, this variant is classified as pathogenic for autosomal dominant dilated cardiomyopathy 1G.This variant was reported by previous genetic testing.

Labcorp Genetics (formerly Invitae), Labcorp
Classification: Likely pathogenic for Dilated cardiomyopathy 1G; Autosomal recessive limb-girdle muscular dystrophy type 2J. Last evaluated: 2025-12-21. Review status: criteria provided, single submitter. Criteria: Invitae Variant Classification Sherloc (09022015). Collection method: clinical testing. Allele origin: germline.
Comment: This sequence change creates a premature translational stop signal (p.Gln27425*) in the TTN gene. While this is not anticipated to result in nonsense mediated decay, it is expected to create a truncated TTN protein. This variant is not present in population databases (gnomAD no frequency). This premature translational stop signal has been observed in individual(s) with dilated cardiomyopathy (PMID: 32815318). ClinVar contains an entry for this variant (Variation ID: 404958). This variant is located in the A band of TTN (PMID: 25589632). Truncating variants in this region are significantly overrepresented in patients affected with dilated cardiomyopathy (PMID: 25589632). Truncating variants in this region have also been reported in individuals affected with autosomal recessive centronuclear myopathy (PMID: 23975875). In summary, the currently available evidence indicates that the variant is pathogenic, but additional data are needed to prove that conclusively. Therefore, this variant has been classified as Likely Pathogenic.

Ambry Genetics
Classification: Pathogenic for Cardiovascular phenotype. Last evaluated: 2025-03-28. Review status: criteria provided, single submitter. Criteria: Ambry Variant Classification Scheme 2023. Collection method: clinical testing. Allele origin: germline.
Comment: The p.Q18360* pathogenic mutation (also known as c.55078C>T), located in coding exon 153 of the TTN gene, results from a C to T substitution at nucleotide position 55078. This changes the amino acid from a glutamine to a stop codon within coding exon 153. This exon is located in the A-band region of the N2-B isoform of the titin protein and is constitutively expressed in TTN transcripts (percent spliced in or PSI 100%). This variant is considered to be rare based on population cohorts in the Genome Aggregation Database (gnomAD). This variant (also referred to as (p.Gln27425*, c.82273C>T) was reported in individual(s) with features consistent with dilated cardiomyopathy (Rich KA et al. Mol Genet Genomic Med. 2020 Oct;8(10):e1460; Ambry internal data). This variant is expected to result in loss of function by premature protein truncation or nonsense-mediated mRNA decay. While truncating variants in TTN are present in 1-3% of the general population, truncating variants in the A-band are the most common cause of dilated cardiomyopathy (Herman DS et al. N. Engl. J. Med., 2012 Feb;366:619-28; Roberts AM et al. Sci Transl Med, 2015 Jan;7:270ra6). TTN truncating variants encoded in constitutive exons (PSI >90%) have been found to be significantly associated with DCM regardless of their position in titin (Schafer S et al. Nat. Genet., 2017 01;49:46-53; Akhtar MM et al. Circ Heart Fail, 2020 Oct;13:e006832; Massier M et al. Clin Genet, 2025 Jan). Based on the supporting evidence, this variant is interpreted as a disease-causing mutation.

Literature cited by the submitters: PubMed 32815318 (cited by 3 submitters); PubMed 25589632 (cited by Variantyx, Inc. and Labcorp Genetics (formerly Invitae), Labcorp); PubMed 23975875 (cited by Labcorp Genetics (formerly Invitae), Labcorp).

NM_001267550.2(TTN):c.82273C>T (p.Gln27425Ter)

Genes: TTN (titin; minus strand), TTN-AS1 (TTN antisense RNA 1; plus strand). Cytogenetic location: 2q31.2.
Variant type: single nucleotide variant.
Coding change: c.82273C>T on transcript NM_001267550.2 (MANE Select); coding-DNA position 82273, C replaced by T.
Protein change: p.Gln27425Ter; replaces glutamine 27425 with a stop codon.
Molecular consequence: nonsense.
Genome position (GRCh38, 1-based): chr2:178,563,859, G>A on the plus strand (C>T on the coding strand, the complement: TTN is on the minus strand). VCF-style: chr2-178563859-G-A. GRCh37 (hg19) VCF-style: chr2-179428586-G-A.
Other names: c.82273C>T (NM_001267550.1); c.77350C>T, p.Gln25784Ter (NM_001256850.1); c.55078C>T, p.Gln18360Ter (NM_003319.4); c.74569C>T, p.Gln24857Ter (NM_133378.4); c.55453C>T, p.Gln18485Ter (NM_133432.3); c.55654C>T, p.Gln18552Ter (NM_133437.4); short protein forms Q27425*, Q18360*, Q18485*, Q18552*, Q24857*, Q25784*.
Identifiers: ClinVar variation 404958 (VCV000404958.19), dbSNP rs371332011, ClinGen allele CA16610279.